The following is an entry in ClinVar:

NM_014797.3(ZBTB24):c.1867A>G (p.Ile623Val)

Gene: ZBTB24 (zinc finger and BTB domain containing 24; minus strand). Cytogenetic location: 6q21.
Variant type: single nucleotide variant.
Coding change: c.1867A>G on transcript NM_014797.3 (MANE Select); coding-DNA position 1867, A replaced by G.
Protein change: p.Ile623Val; replaces isoleucine 623 with valine.
Molecular consequence: missense variant.
Genome position (GRCh38, 1-based): chr6:109,466,078, T>C on the plus strand (A>G on the coding strand, the complement: ZBTB24 is on the minus strand). VCF-style: chr6-109466078-T-C. GRCh37 (hg19) VCF-style: chr6-109787281-T-C.
Other names: c.1867A>G (NM_014797.2); short protein forms I623V.
Identifiers: ClinVar variation 1510376 (VCV001510376.4), dbSNP rs1030593144, ClinGen allele CA145100729.
Genomic context (GRCh38, chr6:109,466,078, plus strand): 5'-CCTTGGACAGAGTGATCACGTGCACTGGCTCTGTTTGTGAGGGCCCCATCTGGCTTTCAA[T>C]CATATTGAGGCTCTGAATGTGTTCTGTTTGCTCCTGTTGAGCTGAAAGAATTAAATTCTG-3'
Protein context (NP_055612.2, residues 613-633): QTEHIQSLNM[Ile623Val]ESQMGPSQTE

ClinVar aggregate classification (germline): Uncertain significance. Review status: criteria provided, multiple submitters, no conflicts (2 of 4 stars). 2 submissions from 2 submitters: Uncertain significance (2). Last evaluated 2024-12-29.

Conditions:
Immunodeficiency-centromeric instability-facial anomalies syndrome 2 (ICF2). Identifiers: Orphanet 2268, MedGen C3279748, MONDO:0013553, OMIM 614069.
Inborn genetic diseases. Identifiers: MedGen C0950123, MeSH D030342.

Allele frequency attached by ClinVar (database versions not stated): TOPMed 0.00001.

Submissions (2):

Ambry Genetics
Classification: Uncertain significance for Inborn genetic diseases. Last evaluated: 2024-12-29. Review status: criteria provided, single submitter. Criteria: Ambry Variant Classification Scheme 2023. Collection method: clinical testing. Allele origin: germline.

Labcorp Genetics (formerly Invitae), Labcorp
Classification: Uncertain significance for Immunodeficiency-centromeric instability-facial anomalies syndrome 2. Last evaluated: 2022-09-06. Review status: criteria provided, single submitter. Criteria: Invitae Variant Classification Sherloc (09022015). Collection method: clinical testing. Allele origin: germline.
Comment: This sequence change replaces isoleucine, which is neutral and non-polar, with valine, which is neutral and non-polar, at codon 623 of the ZBTB24 protein (p.Ile623Val). This variant is not present in population databases (gnomAD no frequency). This variant has not been reported in the literature in individuals affected with ZBTB24-related conditions. ClinVar contains an entry for this variant (Variation ID: 1510376). Algorithms developed to predict the effect of missense changes on protein structure and function are either unavailable or do not agree on the potential impact of this missense change (SIFT: "Not Available"; PolyPhen-2: "Benign"; Align-GVGD: "Not Available"). In summary, the available evidence is currently insufficient to determine the role of this variant in disease. Therefore, it has been classified as a Variant of Uncertain Significance.